The following is an entry in ClinVar:

NM_007286.6(SYNPO):c.740C>T (p.Ala247Val)

Gene: SYNPO (synaptopodin; plus strand). Cytogenetic location: 5q33.1.
Variant type: single nucleotide variant.
Coding change: c.740C>T on transcript NM_007286.6 (MANE Select); coding-DNA position 740, C replaced by T.
Protein change: p.Ala247Val; replaces alanine 247 with valine.
Molecular consequence: missense variant.
Genome position (GRCh38, 1-based): chr5:150,649,015, C>T. VCF-style: chr5-150649015-C-T. GRCh37 (hg19) VCF-style: chr5-150028577-C-T.
Other names: c.740C>T, p.Ala247Val (NM_001109974.3); c.1472C>T, p.Ala491Val (NM_001166208.2, NM_001166209.2); short protein forms A491V, A247V.
Identifiers: ClinVar variation 2197870 (VCV002197870.4), dbSNP rs41336050, ClinGen allele CA3513273.

ClinVar aggregate classification (germline): Uncertain significance (1 of 4 stars; one submission).

Allele frequency attached by ClinVar (database versions not stated): gnomAD exomes 0.00003; ExAC 0.00016; ESP Exome Variant Server 0.00023; gnomAD 0.00040; 1000 Genomes Project 30x 0.00047; 1000 Genomes Project 0.00060.
gnomAD v4.1: 112 of 1,614,200 alleles (0.0069%); highest among the groups gnomAD compares: African/African-American, 0.11%; 1 homozygote.

Submissions (2):

Labcorp Genetics (formerly Invitae), Labcorp
Classification: Uncertain significance. Last evaluated: 2026-02-01. Review status: criteria provided, single submitter. Criteria: Invitae Variant Classification Sherloc (09022015). Collection method: clinical testing. Allele origin: germline.
Comment: This sequence change replaces alanine, which is neutral and non-polar, with valine, which is neutral and non-polar, at codon 247 of the SYNPO protein (p.Ala247Val). This variant is present in population databases (rs41336050, gnomAD 0.1%), and has an allele count higher than expected for a pathogenic variant. This variant has not been reported in the literature in individuals affected with SYNPO-related conditions. ClinVar contains an entry for this variant (Variation ID: 2197870). An algorithm developed to predict the effect of missense changes on protein structure and function (PolyPhen-2) suggests that this variant is likely to be disruptive. In summary, the available evidence is currently insufficient to determine the role of this variant in disease. Therefore, it has been classified as a Variant of Uncertain Significance.

Dr. Peter K. Rogan Lab, Western University
No classification provided (evidence only). Condition: Clear cell carcinoma of kidney. Review status: no classification provided. Collection method: in vitro. Allele origin: not applicable. Functional consequence: retained intron. Not counted in ClinVar's aggregate classification.